The following is an entry in ClinVar:

ClinVar aggregate classification (germline): Pathogenic (1 of 4 stars; one submission).

Conditions:
Familial temporal lobe epilepsy 7. Identifiers: Orphanet 101046, MedGen C4225327, MONDO:0014639, OMIM 616436.
Norman-Roberts syndrome (LIS2). Also called: Lissencephaly 2 (Norman-Roberts type). Identifiers: Orphanet 89844, MedGen C0796089, MONDO:0009760, OMIM 257320.

Allele frequency attached by ClinVar (database versions not stated): ExAC 0.00001; gnomAD 0.00001; TOPMed 0.00001.
gnomAD v4.1: 1 of 1,613,872 alleles (0.000062%); highest among the groups gnomAD compares: African/African-American, 0.0013%; no homozygotes.

Submission:

Labcorp Genetics (formerly Invitae), Labcorp
Classification: Pathogenic for Familial temporal lobe epilepsy 7; Norman-Roberts syndrome. Last evaluated: 2022-10-12. Review status: criteria provided, single submitter. Criteria: Invitae Variant Classification Sherloc (09022015). Collection method: clinical testing. Allele origin: germline.
Comment: This sequence change creates a premature translational stop signal (p.Arg2192*) in the RELN gene. It is expected to result in an absent or disrupted protein product. Loss-of-function variants in RELN are known to be pathogenic (PMID: 10973257, 26046367, 28454995). This variant is present in population databases (rs750279128, gnomAD 0.007%). This variant has not been reported in the literature in individuals affected with RELN-related conditions. Algorithms developed to predict the effect of sequence changes on RNA splicing suggest that this variant may disrupt the consensus splice site. For these reasons, this variant has been classified as Pathogenic.

Literature cited by the submitters: PubMed 10973257; PubMed 26046367; PubMed 28454995.

NM_005045.4(RELN):c.6574C>T (p.Arg2192Ter)

Gene: RELN (reelin; minus strand). Cytogenetic location: 7q22.1.
Variant type: single nucleotide variant.
Coding change: c.6574C>T on transcript NM_005045.4 (MANE Select); coding-DNA position 6574, C replaced by T.
Protein change: p.Arg2192Ter; replaces arginine 2192 with a stop codon.
Molecular consequence: nonsense.
Genome position (GRCh38, 1-based): chr7:103,542,828, G>A on the plus strand (C>T on the coding strand, the complement: RELN is on the minus strand). VCF-style: chr7-103542828-G-A. GRCh37 (hg19) VCF-style: chr7-103183275-G-A.
Other names: c.6574C>T, p.Arg2192Ter (NM_173054.3); short protein forms R2192*.
Identifiers: ClinVar variation 2024605 (VCV002024605.4), dbSNP rs750279128, ClinGen allele CA4420931.